The following is an entry in ClinVar:

NM_020207.7(ERCC6L2):c.99A>C (p.Lys33Asn)

Gene: ERCC6L2 (ERCC excision repair 6 like 2; plus strand). Cytogenetic location: 9q22.32.
Variant type: single nucleotide variant.
Coding change: c.99A>C on transcript NM_020207.7 (MANE Select); coding-DNA position 99, A replaced by C.
Protein change: p.Lys33Asn; replaces lysine 33 with asparagine.
Molecular consequence: missense variant. On other transcripts: non-coding transcript variant (1).
Genome position (GRCh38, 1-based): chr9:95,880,921, A>C. VCF-style: chr9-95880921-A-C. GRCh37 (hg19) VCF-style: chr9-98643203-A-C.
Other names: c.99A>C, p.Lys33Asn (NM_001010895.4, NM_001375291.1, NM_001375292.1 and 2 more transcripts); short protein forms K33N.
Identifiers: ClinVar variation 4618749 (VCV004618749.1).

ClinVar aggregate classification (germline): Uncertain significance (1 of 4 stars; one submission).

Conditions:
Inborn genetic diseases. Identifiers: MedGen C0950123, MeSH D030342.

Submission:

Ambry Genetics
Classification: Uncertain significance for Inborn genetic diseases. Last evaluated: 2025-11-02. Review status: criteria provided, single submitter. Criteria: Ambry Variant Classification Scheme 2023. Collection method: clinical testing. Allele origin: germline.
Comment: The p.K33N variant (also known as c.99A>C), located in coding exon 2 of the ERCC6L2 gene, results from an A to C substitution at nucleotide position 99. The lysine at codon 33 is replaced by asparagine, an amino acid with similar properties. This amino acid position is conserved. In addition, this alteration is predicted to be tolerated by in silico analysis. Based on the available evidence, the clinical significance of this variant remains unclear.